The following is an entry in ClinVar:

NM_001164508.2(NEB):c.5239-1G>A

Gene: NEB (nebulin; minus strand). Cytogenetic location: 2q23.3.
Variant type: single nucleotide variant.
Coding change: c.5239-1G>A on transcript NM_001164508.2 (MANE Select); the canonical splice acceptor site of the intron before coding-DNA position 5239, G replaced by A.
Molecular consequence: splice acceptor variant.
Genome position (GRCh38, 1-based): chr2:151,664,864, C>T on the plus strand (G>A on the coding strand, the complement: NEB is on the minus strand). VCF-style: chr2-151664864-C-T. GRCh37 (hg19) VCF-style: chr2-152521378-C-T.
Other names: c.5239-1G>A (NM_004543.5, NM_001164507.2, NM_001271208.2).
Identifiers: ClinVar variation 2697770 (VCV002697770.3), dbSNP rs2552257509, ClinGen allele CA348811894.

ClinVar aggregate classification (germline): Likely pathogenic (1 of 4 stars; one submission).

Conditions:
Nemaline myopathy 2 (NEM2). Also called: Nemaline myopathy 2, autosomal recessive. Identifiers: MedGen C1850569, MONDO:0009725, OMIM 256030.

Submission:

Labcorp Genetics (formerly Invitae), Labcorp
Classification: Likely pathogenic for Nemaline myopathy 2. Last evaluated: 2023-11-20. Review status: criteria provided, single submitter. Criteria: Invitae Variant Classification Sherloc (09022015). Collection method: clinical testing. Allele origin: germline.
Comment: This sequence change affects an acceptor splice site in intron 42 of the NEB gene. It is expected to disrupt RNA splicing. Variants that disrupt the donor or acceptor splice site typically lead to a loss of protein function (PMID: 16199547), and loss-of-function variants in NEB are known to be pathogenic (PMID: 25205138). This variant is not present in population databases (gnomAD no frequency). This variant has not been reported in the literature in individuals affected with NEB-related conditions. Algorithms developed to predict the effect of sequence changes on RNA splicing suggest that this variant may disrupt the consensus splice site. In summary, the currently available evidence indicates that the variant is pathogenic, but additional data are needed to prove that conclusively. Therefore, this variant has been classified as Likely Pathogenic.

Literature cited by the submitters: PubMed 16199547; PubMed 25205138.